The following is an entry in ClinVar:

ClinVar aggregate classification (germline): Uncertain significance. Review status: criteria provided, multiple submitters, no conflicts (2 of 4 stars). 2 submissions from 2 submitters: Uncertain significance (2). Last evaluated 2023-07-25.

Conditions:
Congenital disorder of deglycosylation (CDDG). Identifiers: MedGen C3808991, MONDO:0031376.
Inborn genetic diseases. Identifiers: MedGen C0950123, MeSH D030342.

Allele frequency attached by ClinVar (database versions not stated): gnomAD exomes 0.00002; gnomAD 0.00006; ExAC 0.00001; TOPMed 0.00005.
gnomAD v4.1: 12 of 1,419,382 alleles (0.00085%); highest among the groups gnomAD compares: African/African-American, 0.018%; no homozygotes.

Submissions (2):

Ambry Genetics
Classification: Uncertain significance for Inborn genetic diseases. Last evaluated: 2023-07-25. Review status: criteria provided, single submitter. Criteria: Ambry Variant Classification Scheme 2023. Collection method: clinical testing. Allele origin: germline.

Labcorp Genetics (formerly Invitae), Labcorp
Classification: Uncertain significance for Congenital disorder of deglycosylation. Last evaluated: 2022-08-05. Review status: criteria provided, single submitter. Criteria: Invitae Variant Classification Sherloc (09022015). Collection method: clinical testing. Allele origin: germline.
Comment: This sequence change replaces proline, which is neutral and non-polar, with threonine, which is neutral and polar, at codon 483 of the NGLY1 protein (p.Pro483Thr). This variant is present in population databases (rs766828621, gnomAD 0.03%). This variant has not been reported in the literature in individuals affected with NGLY1-related conditions. ClinVar contains an entry for this variant (Variation ID: 655953). Algorithms developed to predict the effect of missense changes on protein structure and function are either unavailable or do not agree on the potential impact of this missense change (SIFT: "Tolerated"; PolyPhen-2: "Probably Damaging"; Align-GVGD: "Class C0"). In summary, the available evidence is currently insufficient to determine the role of this variant in disease. Therefore, it has been classified as a Variant of Uncertain Significance.

NM_018297.4(NGLY1):c.1447C>A (p.Pro483Thr)

Gene: NGLY1 (N-glycanase 1; minus strand). Cytogenetic location: 3p24.2.
Variant type: single nucleotide variant.
Coding change: c.1447C>A on transcript NM_018297.4 (MANE Select); coding-DNA position 1447, C replaced by A.
Protein change: p.Pro483Thr; replaces proline 483 with threonine.
Molecular consequence: missense variant.
Genome position (GRCh38, 1-based): chr3:25,729,297, G>T on the plus strand (C>A on the coding strand, the complement: NGLY1 is on the minus strand). VCF-style: chr3-25729297-G-T. GRCh37 (hg19) VCF-style: chr3-25770788-G-T.
Other names: c.1393C>A, p.Pro465Thr (NM_001145293.2); c.1321C>A, p.Pro441Thr (NM_001145294.2); c.1447C>A, p.Pro483Thr (NM_001145295.2); short protein forms P441T, P465T, P483T.
Identifiers: ClinVar variation 655953 (VCV000655953.5), dbSNP rs766828621, ClinGen allele CA2289147.
Genomic context (GRCh38, chr3:25,729,297, plus strand): 5'-GATCTTTCACAATATTGTAACAAAGGTGGAGCTGTTTAGAAATCTTCTCATTTTCACAGG[G>T]AATAAACAAGGTTTCTTTTCTCTTAAAAAGAAAGCAGAATTAGTTTTTCAACATTATGAA-3'
Protein context (NP_060767.2, residues 473-493): GLQRKETLFI[Pro483Thr]CENEKISKQL